The following is an entry in ClinVar:

ClinVar aggregate classification (germline): Likely benign (1 of 4 stars; one submission).

Conditions:
Palmoplantar keratoderma, epidermolytic. Also called: Localized epidermolytic hyperkeratosis. Identifiers: MedGen C1721006, MONDO:0968949, HP:0007559.

Allele frequency attached by ClinVar (database versions not stated): gnomAD 0.00038 and 0.00059; gnomAD exomes 0.00043; TOPMed 0.00056; 1000 Genomes Project 0.00339; 1000 Genomes Project 30x 0.00344.
gnomAD v4.1: 675 of 1,538,170 alleles (0.044%); highest among the groups gnomAD compares: East Asian, 1.5%; 5 homozygotes.

Submission:

Illumina Laboratory Services, Illumina
Classification: Likely benign for Epidermolytic palmoplantar keratoderma, 1. Last evaluated: 2018-01-12. Review status: criteria provided, single submitter. Criteria: ICSL Variant Classification Criteria 13 December 2019. Collection method: clinical testing. Allele origin: germline.
Comment: This variant was observed in the ICSL laboratory as part of a predisposition screen in an ostensibly healthy population. It had not been previously curated by ICSL or reported in the Human Gene Mutation Database (HGMD: prior to June 1st, 2018), and was therefore a candidate for classification through an automated scoring system. Utilizing variant allele frequency, disease prevalence and penetrance estimates, and inheritance mode, an automated score was calculated to assess if this variant is too frequent to cause the disease. Based on the score and internal cut-off values, a variant classified as likely benign is not then subjected to further curation. The score for this variant resulted in a classification of likely benign for this disease.

NM_000226.4(KRT9):c.-57T>C

Gene: KRT9 (keratin 9; minus strand). Cytogenetic location: 17q21.2.
Variant type: single nucleotide variant.
Coding change: c.-57T>C on transcript NM_000226.4 (MANE Select); 57 bases upstream of the start codon, T replaced by C.
Molecular consequence: 5 prime UTR variant.
Genome position (GRCh38, 1-based): chr17:41,572,049, A>G on the plus strand (T>C on the coding strand, the complement: KRT9 is on the minus strand). VCF-style: chr17-41572049-A-G. GRCh37 (hg19) VCF-style: chr17-39728301-A-G.
Identifiers: ClinVar variation 323146 (VCV000323146.5), dbSNP rs143343698, ClinGen allele CA10650089.